The following is an entry in ClinVar:

NM_001205293.3(CACNA1E):c.2606A>C (p.Asn869Thr)

Gene: CACNA1E (calcium voltage-gated channel subunit alpha1 E; plus strand). Cytogenetic location: 1q25.3.
Variant type: single nucleotide variant.
Coding change: c.2606A>C on transcript NM_001205293.3 (MANE Select); coding-DNA position 2606, A replaced by C.
Protein change: p.Asn869Thr; replaces asparagine 869 with threonine.
Molecular consequence: missense variant.
Genome position (GRCh38, 1-based): chr1:181,732,692, A>C. VCF-style: chr1-181732692-A-C. GRCh37 (hg19) VCF-style: chr1-181701828-A-C.
Other names: c.2606A>C, p.Asn869Thr (NM_000721.4); c.2549A>C, p.Asn850Thr (NM_001205294.2); short protein forms N850T, N869T.
Identifiers: ClinVar variation 4799991 (VCV004799991.1).
Genomic context (GRCh38, chr1:181,732,692, plus strand): 5'-GCATCAGCCGTGGGGGGTCCCTCAAGGGGGATGGAGGGGACCGATCCAGTGCCCTGGACA[A>C]CCAGAGGACCCCTTTGTCCCTGGGCCAGCGGGAGCCACCATGGCTGGCCAGGCCCTGTCA-3'
Protein context (NP_001192222.1, residues 859-879): DGGDRSSALD[Asn869Thr]QRTPLSLGQR

ClinVar aggregate classification (germline): Uncertain significance (1 of 4 stars; one submission).

Submission:

Labcorp Genetics (formerly Invitae), Labcorp
Classification: Uncertain significance. Last evaluated: 2025-11-12. Review status: criteria provided, single submitter. Criteria: Invitae Variant Classification Sherloc (09022015). Collection method: clinical testing. Allele origin: germline.
Comment: This sequence change replaces asparagine, which is neutral and polar, with threonine, which is neutral and polar, at codon 869 of the CACNA1E protein (p.Asn869Thr). This variant is not present in population databases (gnomAD no frequency). This variant has not been reported in the literature in individuals affected with CACNA1E-related conditions. Invitae Evidence Modeling of protein sequence and biophysical properties (such as structural, functional, and spatial information, amino acid conservation, physicochemical variation, residue mobility, and thermodynamic stability) has been performed for this missense variant. However, the output from this modeling did not meet the statistical confidence thresholds required to predict the impact of this variant on CACNA1E protein function. In summary, the available evidence is currently insufficient to determine the role of this variant in disease. Therefore, it has been classified as a Variant of Uncertain Significance.